The following is an entry in ClinVar:

NM_000548.5(TSC2):c.3385C>A (p.Arg1129Ser)

Gene: TSC2 (TSC complex subunit 2; plus strand). Cytogenetic location: 16p13.3.
Variant type: single nucleotide variant.
Coding change: c.3385C>A on transcript NM_000548.5 (MANE Select); coding-DNA position 3385, C replaced by A.
Protein change: p.Arg1129Ser; replaces arginine 1129 with serine.
Molecular consequence: missense variant. On other transcripts: non-coding transcript variant (5).
Genome position (GRCh38, 1-based): chr16:2,079,657, C>A. VCF-style: chr16-2079657-C-A. GRCh37 (hg19) VCF-style: chr16-2129658-C-A.
Other names: c.3253C>A, p.Arg1085Ser (NM_001077183.3, NM_001370404.1, NM_001406665.1); c.3385C>A, p.Arg1129Ser (NM_001114382.3); c.3145C>A, p.Arg1049Ser (NM_001318827.2); c.3109C>A, p.Arg1037Ser (NM_001318829.2); c.3382C>A, p.Arg1128Ser (NM_001406664.1, NM_001406663.1); c.2653C>A, p.Arg885Ser (NM_001318831.2, NM_001406687.1, NM_001406688.1); c.3286C>A, p.Arg1096Ser (NM_001318832.2); c.3256C>A, p.Arg1086Ser (NM_001363528.2, NM_001370405.1, NM_021055.3); and 18 more; short protein forms R1036S, R1048S, R1082S, R1096S, R1128S, R1129S, R681S, R886S.
Identifiers: ClinVar variation 2449969 (VCV002449969.2), dbSNP rs1028039505, ClinGen allele CA394286751.

ClinVar aggregate classification (germline): Uncertain significance (1 of 4 stars; one submission).

Conditions:
Hereditary cancer-predisposing syndrome. Also called: Neoplastic Syndromes, Hereditary; Tumor predisposition; Hereditary neoplastic syndrome; Hereditary Cancer Syndrome. Identifiers: Orphanet 140162, MedGen C0027672, MeSH D009386, MONDO:0015356.

Submission:

Ambry Genetics
Classification: Uncertain significance for Hereditary cancer-predisposing syndrome. Last evaluated: 2022-12-16. Review status: criteria provided, single submitter. Criteria: Ambry Variant Classification Scheme 2023. Collection method: clinical testing. Allele origin: germline.
Comment: The p.R1129S variant (also known as c.3385C>A), located in coding exon 28 of the TSC2 gene, results from a C to A substitution at nucleotide position 3385. The arginine at codon 1129 is replaced by serine, an amino acid with dissimilar properties. This amino acid position is conserved. In addition, this alteration is predicted to be deleterious by in silico analysis. Since supporting evidence is limited at this time, the clinical significance of this alteration remains unclear.